The following is an entry in ClinVar:

NM_000088.4(COL1A1):c.1461+1_1461+4delinsTTAT

Gene: COL1A1 (collagen type I alpha 1 chain; minus strand). Cytogenetic location: 17q21.33.
Variant type: Indel.
Coding change: c.1461+1_1461+4delinsTTAT on transcript NM_000088.4 (MANE Select); the canonical splice donor site of the intron after coding-DNA position 1461 through 4 bases into the intron after coding-DNA position 1461, GTAA replaced by TTAT.
Molecular consequence: splice donor variant.
Genome position (GRCh38, 1-based): chr17:50,194,717-50,194,720, TTAC replaced by ATAA on the plus strand (GTAA replaced by TTAT on the coding strand, the reverse complement: COL1A1 is on the minus strand). VCF-style: chr17-50194717-TTAC-ATAA. GRCh37 (hg19) VCF-style: chr17-48272078-TTAC-ATAA.
Identifiers: ClinVar variation 4847930 (VCV004847930.1).
Genomic context (GRCh38, chr17:50,194,717, plus strand): 5'-GCGACACACAGGCACCAGCCAGGCAATGAGGGTGGAGCGGGAGGGGGCGGGCAGGGACAC[TTAC>ATAA]ACGCTCGCCAGGGGGTCCGGGCAGGCCAGTGGGTCCGGGTTCACCTCGAGCTCCTCGCTT-3'

ClinVar aggregate classification (germline): Pathogenic (1 of 4 stars; one submission).

Conditions:
Osteogenesis imperfecta type I (OI1). Also called: Classic Non-deforming Osteogenesis Imperfecta with Blue Sclerae; OI, TYPE I; OSTEOGENESIS IMPERFECTA TARDA; OSTEOGENESIS IMPERFECTA WITH BLUE SCLERAE; Osteogenesis imperfecta type 1; Lobstein's Disease. Identifiers: Orphanet 216796, Orphanet 666, MedGen C0023931, MONDO:0008146, OMIM 166200. Disease mechanism: loss of function.

Submission:

Women's Health and Genetics/Laboratory Corporation of America, LabCorp
Classification: Pathogenic for Osteogenesis imperfecta type I. Last evaluated: 2026-02-10. Review status: criteria provided, single submitter. Criteria: LabCorp Variant Classification Summary - May 2015. Collection method: clinical testing. Allele origin: germline.
Comment: Variant summary: COL1A1 c.1461+1_1461+4delinsTTAT is located in a canonical splice-site and is predicted to affect mRNA splicing resulting in a significantly altered protein due to either exon skipping, shortening, or inclusion of intronic material. Variants that disrupt the consensus splice site are a relatively common cause of aberrant splicing and loss of COL1A1 function. Several computational tools predict a significant impact on normal splicing: five predict the variant abolishes a 5' splicing donor site. However, these predictions have yet to be confirmed by functional studies. The variant was absent in 206244 control chromosomes (gnomAD). To our knowledge, no experimental evidence demonstrating an impact on protein function has been reported. No submitters have cited clinical-significance assessments for this variant to ClinVar. Based on the evidence outlined above, the variant was classified as pathogenic.